The following is an entry in ClinVar:

ClinVar aggregate classification (germline): Uncertain significance (1 of 4 stars; one submission).

Conditions:
Perlman syndrome (PRLMNS). Identifiers: Orphanet 2849, MedGen C0796113, MONDO:0009965, OMIM 267000.

Submission:

Labcorp Genetics (formerly Invitae), Labcorp
Classification: Uncertain significance for Perlman syndrome. Last evaluated: 2022-11-01. Review status: criteria provided, single submitter. Criteria: Invitae Variant Classification Sherloc (09022015). Collection method: clinical testing. Allele origin: germline.
Comment: In summary, the available evidence is currently insufficient to determine the role of this variant in disease. Therefore, it has been classified as a Variant of Uncertain Significance. Advanced modeling of protein sequence and biophysical properties (such as structural, functional, and spatial information, amino acid conservation, physicochemical variation, residue mobility, and thermodynamic stability) performed at Invitae indicates that this missense variant is expected to disrupt DIS3L2 protein function. ClinVar contains an entry for this variant (Variation ID: 839718). This variant has not been reported in the literature in individuals affected with DIS3L2-related conditions. This variant is not present in population databases (gnomAD no frequency). This sequence change replaces asparagine, which is neutral and polar, with isoleucine, which is neutral and non-polar, at codon 76 of the DIS3L2 protein (p.Asn76Ile).

NM_152383.5(DIS3L2):c.227A>T (p.Asn76Ile)

Gene: DIS3L2 (DIS3 like 3'-5' exoribonuclease 2; plus strand). Cytogenetic location: 2q37.1.
Variant type: single nucleotide variant.
Coding change: c.227A>T on transcript NM_152383.5 (MANE Select); coding-DNA position 227, A replaced by T.
Protein change: p.Asn76Ile; replaces asparagine 76 with isoleucine.
Molecular consequence: missense variant. On other transcripts: non-coding transcript variant (2).
Genome position (GRCh38, 1-based): chr2:232,024,293, A>T. VCF-style: chr2-232024293-A-T. GRCh37 (hg19) VCF-style: chr2-232889003-A-T.
Other names: c.227A>T, p.Asn76Ile (NM_001257281.2, NM_001257282.2); short protein forms N76I.
Identifiers: ClinVar variation 839718 (VCV000839718.9), dbSNP rs1694598726, ClinGen allele CA351152744.
Genomic context (GRCh38, chr2:232,024,293, plus strand): 5'-AATATATAGCTAGATTTTCACAAACTTTATTTTTTGTTTTAAAGGGTGTATTGAGAATTA[A>T]TCCAAAGAAGTTTCATGAAGCCTTCATTCCTTCCCCGGTAAGTTCAATAAATTTATAATA-3'
Protein context (NP_689596.4, residues 66-86): GTLIQGVLRI[Asn76Ile]PKKFHEAFIP